The following is an entry in ClinVar:

ClinVar aggregate classification (germline): Uncertain significance (1 of 4 stars; one submission).

Conditions:
Hereditary cancer-predisposing syndrome. Also called: Neoplastic Syndromes, Hereditary; Tumor predisposition; Hereditary Cancer Syndrome; Hereditary neoplastic syndrome. Identifiers: Orphanet 140162, MedGen C0027672, MeSH D009386, MONDO:0015356.

Submission:

Ambry Genetics
Classification: Uncertain significance for Hereditary cancer-predisposing syndrome. Last evaluated: 2025-09-30. Review status: criteria provided, single submitter. Criteria: Ambry Variant Classification Scheme 2023. Collection method: clinical testing. Allele origin: germline.
Comment: The p.V750I variant (also known as c.2248G>A), located in coding exon 14 of the SMARCA4 gene, results from a G to A substitution at nucleotide position 2248. The valine at codon 750 is replaced by isoleucine, an amino acid with highly similar properties. This amino acid position is well conserved in available vertebrate species. In addition, this alteration is predicted to be tolerated by in silico analysis. Based on the available evidence, the clinical significance of this variant remains unclear.

NM_003072.5(SMARCA4):c.2248G>A (p.Val750Ile)

Gene: SMARCA4 (SWI/SNF related BAF chromatin remodeling complex subunit ATPase 4; plus strand). Cytogenetic location: 19p13.2.
Variant type: single nucleotide variant.
Coding change: c.2248G>A on transcript NM_003072.5 (MANE Select); coding-DNA position 2248, G replaced by A.
Protein change: p.Val750Ile; replaces valine 750 with isoleucine.
Molecular consequence: missense variant. On other transcripts: non-coding transcript variant (1).
Genome position (GRCh38, 1-based): chr19:11,010,505, G>A. VCF-style: chr19-11010505-G-A. GRCh37 (hg19) VCF-style: chr19-11121181-G-A.
Other names: c.2248G>A, p.Val750Ile (NM_001128844.3, NM_001128845.2, NM_001128846.2 and 6 more transcripts); short protein forms V750I.
Identifiers: ClinVar variation 1788368 (VCV001788368.3), dbSNP rs2146238326, ClinGen allele CA404052922.
Genomic context (GRCh38, chr19:11,010,505, plus strand): 5'-TCCTACTATGCCGTGGCCCATGCTGTCACTGAGAGAGTGGACAAGCAGTCAGCGCTTATG[G>A]TCAATGGTGTCCTCAAACAGTACCAGGTGAGGTAGGGGGTGGGGAGGCCACCGCCACGTA-3'
Protein context (NP_003063.2, residues 740-760): ERVDKQSALM[Val750Ile]NGVLKQYQIK